The following is an entry in ClinVar:

ClinVar aggregate classification (germline): Conflicting classifications of pathogenicity. Review status: criteria provided, conflicting classifications (1 of 4 stars). 2 submissions from 2 submitters: Uncertain significance (1); Likely benign (1). Last evaluated 2025-02-11.

Conditions:
DICER1-related tumor predisposition. Also called: DICER1 syndrome; DICER1-related pleuropulmonary blastoma cancer predisposition syndrome. Identifiers: Orphanet 284343, MedGen C3839822, MONDO:0100216.

gnomAD v4.1: 1 of 1,614,138 alleles (0.000062%); highest among the groups gnomAD compares: Non-Finnish European, 0.000085%; no homozygotes.

Submissions (2):

Quest Diagnostics Nichols Institute San Juan Capistrano
Classification: Uncertain significance. Last evaluated: 2025-02-11. Review status: criteria provided, single submitter. Criteria: Quest Diagnostics criteria. Collection method: clinical testing. Allele origin: unknown.
Comment: The DICER1 c.3630C>G (p.Pro1210=) synonymous variant has not been reported in individuals with DICER1-related conditions in the published literature. It also has not been reported in large, multi-ethnic general populations (Genome Aggregation Database). Analysis of this variant using software algorithms for the prediction of the effect of nucleotide changes on splicing yielded predictions that this variant does not affect DICER1 mRNA splicing. Based on the available information, we are unable to determine the clinical significance of this variant.

Labcorp Genetics (formerly Invitae), Labcorp
Classification: Likely benign for DICER1-related tumor predisposition. Last evaluated: 2024-02-22. Review status: criteria provided, single submitter. Criteria: Invitae Variant Classification Sherloc (09022015). Collection method: clinical testing. Allele origin: germline.

NM_177438.3(DICER1):c.3630C>G (p.Pro1210=)

Gene: DICER1 (dicer 1, ribonuclease III; minus strand). Cytogenetic location: 14q32.13.
Variant type: single nucleotide variant.
Coding change: c.3630C>G on transcript NM_177438.3 (MANE Select); coding-DNA position 3630, C replaced by G.
Protein change: p.Pro1210=; no amino-acid change (proline 1210 retained).
Molecular consequence: synonymous variant.
Genome position (GRCh38, 1-based): chr14:95,103,766, G>C on the plus strand (C>G on the coding strand, the complement: DICER1 is on the minus strand). VCF-style: chr14-95103766-G-C. GRCh37 (hg19) VCF-style: chr14-95570103-G-C.
Other names: c.3630C>G (NM_177438.2); c.3630C>G, p.Pro1210= (NM_001195573.1, NM_001271282.3, NM_001291628.2 and 1 more transcripts).
Identifiers: ClinVar variation 1116768 (VCV001116768.11), dbSNP rs774727760, ClinGen allele CA487844977.
Genomic context (GRCh38, chr14:95,103,766, plus strand): 5'-CTGGGGCTGGTTCTCGTAACTGTATAAATTCTGAATGGAATATGAGGTAGTTGGTTGCAC[G>C]GGTATTTCCTGCTTGTAGTAATTTAGCTGATTTCCTTGGCAAAAGTCTCTGTTAGCTAAA-3'
Protein context (NP_803187.1, residues 1200-1220): NQLNYYKQEI[Pro1210=]VQPTTSYSIQ